The following is an entry in ClinVar:

ClinVar aggregate classification (germline): Uncertain significance (1 of 4 stars; one submission).

Conditions:
Cardiovascular phenotype. Identifiers: MedGen CN230736.

gnomAD v4.1: 2 of 1,613,048 alleles (0.00012%); highest among the groups gnomAD compares: Non-Finnish European, 0.00017%; no homozygotes.

Submission:

Ambry Genetics
Classification: Uncertain significance for Cardiovascular phenotype. Last evaluated: 2025-06-01. Review status: criteria provided, single submitter. Criteria: Ambry Variant Classification Scheme 2023. Collection method: clinical testing. Allele origin: germline.
Comment: The p.A152V variant (also known as c.455C>T), located in coding exon 2 of the LMF1 gene, results from a C to T substitution at nucleotide position 455. The alanine at codon 152 is replaced by valine, an amino acid with similar properties. This amino acid position is conserved. In addition, this alteration is predicted to be tolerated by in silico analysis. Based on the available evidence, the clinical significance of this variant remains unclear.

NM_022773.4(LMF1):c.455C>T (p.Ala152Val)

Gene: LMF1 (lipase maturation factor 1; minus strand). Cytogenetic location: 16p13.3.
Variant type: single nucleotide variant.
Coding change: c.455C>T on transcript NM_022773.4 (MANE Select); coding-DNA position 455, C replaced by T.
Protein change: p.Ala152Val; replaces alanine 152 with valine.
Molecular consequence: missense variant. On other transcripts: 5 prime UTR variant (3), non-coding transcript variant (1).
Genome position (GRCh38, 1-based): chr16:954,405, G>A on the plus strand (C>T on the coding strand, the complement: LMF1 is on the minus strand). VCF-style: chr16-954405-G-A. GRCh37 (hg19) VCF-style: chr16-1004405-G-A.
Other names: c.-349C>T (NM_001352017.2); c.-100C>T (NM_001352018.2); c.128C>T, p.Ala43Val (NM_001352019.2); c.455C>T, p.Ala152Val (NM_001352020.1); c.-251C>T (NM_001352021.2); short protein forms A43V, A152V.
Identifiers: ClinVar variation 4047700 (VCV004047700.1).